The following is an entry in ClinVar:

NM_001009944.3(PKD1):c.12167G>A (p.Trp4056Ter)

Gene: PKD1 (polycystin 1, transient receptor potential channel interacting; minus strand). Cytogenetic location: 16p13.3.
Variant type: single nucleotide variant.
Coding change: c.12167G>A on transcript NM_001009944.3 (MANE Select); coding-DNA position 12167, G replaced by A.
Protein change: p.Trp4056Ter; replaces tryptophan 4056 with a stop codon.
Molecular consequence: nonsense.
Genome position (GRCh38, 1-based): chr16:2,090,562, C>T on the plus strand (G>A on the coding strand, the complement: PKD1 is on the minus strand). VCF-style: chr16-2090562-C-T. GRCh37 (hg19) VCF-style: chr16-2140563-C-T.
Other names: c.12164G>A, p.Trp4055Ter (NM_000296.4); short protein forms W4055*, W4056*.
Identifiers: ClinVar variation 1699911 (VCV001699911.3), dbSNP rs2151682538, ClinGen allele CA394326645.

ClinVar aggregate classification (germline): Pathogenic/Likely pathogenic. Review status: criteria provided, multiple submitters, no conflicts (2 of 4 stars). 3 submissions from 3 submitters: Pathogenic (2); Likely pathogenic (1). Last evaluated 2025-02-06.

Conditions:
Autosomal dominant polycystic kidney disease. Identifiers: Orphanet 730, MedGen C0085413, MONDO:0004691.
Polycystic kidney disease, adult type (PKD1). Also called: Polycystic Kidney Disease 1, Autosomal Dominant; Polycystic kidney disease 1; Polycystic kidney disease 1, severe; Polycystic Kidney, Autosomal Dominant; POLYCYSTIC KIDNEY DISEASE 1 WITH OR WITHOUT POLYCYSTIC LIVER DISEASE; POLYCYSTIC KIDNEY DISEASE, ADULT, TYPE I. Identifiers: MedGen C3149841, MONDO:0008263, OMIM 173900.

Submissions (3):

Molecular Genetics, Royal Melbourne Hospital
Classification: Pathogenic for Autosomal dominant polycystic kidney disease. Last evaluated: 2025-02-06. Review status: criteria provided, single submitter. Criteria: ACMG Guidelines, 2015. Collection method: clinical testing. Allele origin: germline. Inheritance: Autosomal dominant inheritance. Affected: yes.
Comment: This sequence change in PKD1 is a nonsense variant predicted to create a premature stop codon, p.(Trp4056*), in biologically relevant exon 45/46 leading to nonsense-mediated decay in a gene in which loss-of-function is an established disease mechanism (PMID: 20301424). Loss-of-function variants are a well-established cause of disease in exon 45 (ClinVar). This variant is absent from the population database gnomAD v4.1. This variant has been reported in at least three unrelated probands with autosomal dominant polycystic kidney disease (PMID: 12842373, 32457805, 16430766). Based on the classification scheme RMH Modified ACMG/AMP Guidelines v1.7.1, this variant is classified as PATHOGENIC. Following criteria are met: PVS1, PS4_Moderate, PM5_Supporting, PM2_Supporting

(GEEPAD) Grupo de Estudio de la Enfermedad Poliquística Autosómica Dominante, Hospitales Universitarios Virgen de las Nieves y San Cecilio (Granada)
Classification: Pathogenic for Polycystic kidney disease, adult type. Last evaluated: 2022-08-03. Review status: criteria provided, single submitter. Criteria: ACMG Guidelines, 2015. Collection method: clinical testing. Allele origin: germline. Affected: yes. Observed: 1 variant allele.

Clinical Genetics Service, Universitary Hospital 12 de Octubre
Classification: Likely pathogenic for Polycystic kidney disease, adult type. Review status: criteria provided, single submitter. Criteria: ACMG Guidelines, 2015. Collection method: clinical testing. Allele origin: germline. Affected: yes.

Literature cited by the submitters: PubMed 12842373 (cited by Molecular Genetics, Royal Melbourne Hospital); PubMed 16430766 (cited by Molecular Genetics, Royal Melbourne Hospital); PubMed 20301424 (cited by Molecular Genetics, Royal Melbourne Hospital); PubMed 32457805 (cited by Molecular Genetics, Royal Melbourne Hospital).